The following is an entry in ClinVar:

ClinVar aggregate classification (germline): Uncertain significance (1 of 4 stars; one submission).

Conditions:
Bethlem myopathy 1A. Also called: MYOPATHY, BENIGN CONGENITAL, WITH CONTRACTURES; Bethlem myopathy 1; Bethlem Muscular Dystrophy. Identifiers: Orphanet 610, MedGen CN029274, MONDO:0024530, OMIM 158810.

gnomAD v4.1: 9 of 1,606,790 alleles (0.00056%); highest among the groups gnomAD compares: East Asian, 0.016%; no homozygotes.

Submission:

Labcorp Genetics (formerly Invitae), Labcorp
Classification: Uncertain significance for Bethlem myopathy 1A. Last evaluated: 2022-05-18. Review status: criteria provided, single submitter. Criteria: Invitae Variant Classification Sherloc (09022015). Collection method: clinical testing. Allele origin: germline.
Comment: This sequence change replaces glycine, which is neutral and non-polar, with aspartic acid, which is acidic and polar, at codon 991 of the COL6A2 protein (p.Gly991Asp). This variant is not present in population databases (gnomAD no frequency). This variant has not been reported in the literature in individuals affected with COL6A2-related conditions. Advanced modeling of protein sequence and biophysical properties (such as structural, functional, and spatial information, amino acid conservation, physicochemical variation, residue mobility, and thermodynamic stability) performed at Invitae indicates that this missense variant is expected to disrupt COL6A2 protein function. In summary, the available evidence is currently insufficient to determine the role of this variant in disease. Therefore, it has been classified as a Variant of Uncertain Significance.

NM_001849.4(COL6A2):c.2972G>A (p.Gly991Asp)

Gene: COL6A2 (collagen type VI alpha 2 chain; plus strand). Cytogenetic location: 21q22.3.
Variant type: single nucleotide variant.
Coding change: c.2972G>A on transcript NM_001849.4 (MANE Select); coding-DNA position 2972, G replaced by A.
Protein change: p.Gly991Asp; replaces glycine 991 with aspartic acid.
Molecular consequence: missense variant.
Genome position (GRCh38, 1-based): chr21:46,132,464, G>A. VCF-style: chr21-46132464-G-A. GRCh37 (hg19) VCF-style: chr21-47552378-G-A.
Other names: short protein forms G991D.
Identifiers: ClinVar variation 2112159 (VCV002112159.4), dbSNP rs779952528, ClinGen allele CA321980294.